The following is an entry in ClinVar:

NM_007294.4(BRCA1):c.251A>G (p.Glu84Gly)

Gene: BRCA1 (BRCA1 DNA repair associated; minus strand). Cytogenetic location: 17q21.31.
Variant type: single nucleotide variant.
Coding change: c.251A>G on transcript NM_007294.4 (MANE Select); coding-DNA position 251, A replaced by G.
Protein change: p.Glu84Gly; replaces glutamic acid 84 with glycine.
Molecular consequence: missense variant. On other transcripts: non-coding transcript variant (1).
Genome position (GRCh38, 1-based): chr17:43,104,918, T>C on the plus strand (A>G on the coding strand, the complement: BRCA1 is on the minus strand). VCF-style: chr17-43104918-T-C. GRCh37 (hg19) VCF-style: chr17-41256935-T-C.
Other names: c.251A>G, p.Glu84Gly (NM_001407679.1, NM_001407680.1, NM_001407681.1 and 168 more transcripts); c.110A>G, p.Glu37Gly (NM_001407692.1, NM_001407694.1, NM_001407695.1 and 99 more transcripts); c.41A>G, p.Glu14Gly (NM_001407853.1, NM_001407879.1, NM_001407881.1 and 58 more transcripts); c.173A>G, p.Glu58Gly (NM_001407862.1, NM_001407874.1, NM_001407875.1 and 21 more transcripts); c.-131A>G (NM_001407959.1, NM_001407960.1, NM_001407962.1 and 4 more transcripts); c.119A>G, p.Glu40Gly (NM_001408451.1); short protein forms E84G, E37G, E14G, E40G, E58G.
Identifiers: ClinVar variation 868310 (VCV000868310.4), dbSNP rs2054685676, ClinGen allele CA10601654.
Genomic context (GRCh38, chr17:43,104,918, plus strand): 5'-CAACACTTACACTCCAAACCTGTGTCAAGCTGAAAAGCACAAATGATTTTCAATAGCTCT[T>C]CAACAAGTTGACTAAATCTCGTACTTTCTTGTAGGCTCCTGAAATTAAATTGTTTGAGAA-3'
Protein context (NP_009225.1, residues 74-94): QESTRFSQLV[Glu84Gly]ELLKIICAFQ

ClinVar aggregate classification (germline): Uncertain significance (1 of 4 stars; one submission).

Conditions:
Breast-ovarian cancer, familial, susceptibility to, 1 (BROVCA1). Also called: BRCA1 Hereditary Breast and Ovarian Cancer; OVARIAN CANCER, SUSCEPTIBILITY TO. Identifiers: Orphanet 145, MedGen C2676676, MONDO:0011450, OMIM 604370. Disease mechanism: loss of function.

gnomAD v4.1: 1 of 1,613,970 alleles (0.000062%); no homozygotes.

Submissions (2):

All of Us Research Program, National Institutes of Health
Classification: Uncertain significance for Breast-ovarian cancer, familial, susceptibility to, 1. Last evaluated: 2023-03-23. Review status: criteria provided, single submitter. Criteria: ACMG Guidelines, 2015. Collection method: clinical testing. Allele origin: germline. Inheritance: Autosomal dominant inheritance. Observed: 1 variant allele, 1 heterozygote.
Comment: This missense variant replaces glutamic acid with glycine at codon 84 of the BRCA1 protein. Computational prediction suggests that this variant may have deleterious impact on protein structure and function (internally defined REVEL score threshold >= 0.7, PMID: 27666373). This variant has been reported to be functional in a haploid cell proliferation assay (PMID: 30209399). To our knowledge, this variant has not been reported in individuals affected with hereditary cancer in the literature. This variant has not been identified in the general population by the Genome Aggregation Database (gnomAD). The available evidence is insufficient to determine the role of this variant in disease conclusively. Therefore, this variant is classified as a Variant of Uncertain Significance.

This study involves interpretation of variants in research participants for the purpose of population health screening. Participant phenotype was not available at the time of variant classification. Additional details can be found in publication PMID: 35346344, PMCID: PMC8962531

Brotman Baty Institute, University of Washington
No classification provided (evidence only). Condition: Breast-ovarian cancer, familial 1. Review status: no classification provided. Collection method: in vitro. Allele origin: not applicable. Functional consequence: functionally_normal. Not counted in ClinVar's aggregate classification.
ClinVar note: "not provided" was previously submitted as the classification for the variant. However, the classification appeared to be based only on an observation of functional data so it was converted to no classification on 2025-07-30.

Literature cited by the submitters: PubMed 30209399 (cited by All of Us Research Program, National Institutes of Health).